The following is an entry in ClinVar:

NM_004004.6(GJB2):c.353_356dup (p.Glu119fs)

Gene: GJB2 (gap junction protein beta 2; minus strand). Cytogenetic location: 13q12.11.
Variant type: Duplication.
Coding change: c.353_356dup on transcript NM_004004.6 (MANE Select); coding-DNA positions 353 to 356, 4 bases duplicated (TCGA; older notation c.353_356dupTCGA).
Protein change: p.Glu119fs; shifts the reading frame from glutamic acid 119.
Molecular consequence: frameshift variant.
Genome position (GRCh38, 1-based): chr13:20,189,226-20,189,229, TCGA duplicated on the plus strand (TCGA on the coding strand, the reverse complement: GJB2 is on the minus strand); duplicating any 4 consecutive bases within chr13:20,189,226-20,189,230 gives the same sequence; the c. name uses the placement nearest the transcript's 3' end. VCF-style (leftmost placement, unchanged base first): chr13-20189225-C-CTCGA. GRCh37 (hg19) VCF-style: chr13-20763364-C-CTCGA.
Other names: short protein forms E119fs.
Identifiers: ClinVar variation 2907437 (VCV002907437.3), dbSNP rs2500250786, ClinGen allele CA2695217675.

ClinVar aggregate classification (germline): Pathogenic (1 of 4 stars; one submission).

Submission:

Labcorp Genetics (formerly Invitae), Labcorp
Classification: Pathogenic. Last evaluated: 2022-12-29. Review status: criteria provided, single submitter. Criteria: Invitae Variant Classification Sherloc (09022015). Collection method: clinical testing. Allele origin: germline.
Comment: For these reasons, this variant has been classified as Pathogenic. This variant disrupts a region of the GJB2 protein in which other variant(s) (p.Leu213*) have been determined to be pathogenic (PMID: 23141775). This suggests that this is a clinically significant region of the protein, and that variants that disrupt it are likely to be disease-causing. This premature translational stop signal has been observed in individual(s) with autosomal recessive GJB2-related conditions (PMID: 29196752). This variant is not present in population databases (gnomAD no frequency). This sequence change creates a premature translational stop signal (p.Glu119Aspfs*92) in the GJB2 gene. While this is not anticipated to result in nonsense mediated decay, it is expected to disrupt the last 108 amino acid(s) of the GJB2 protein.

Literature cited by the submitters: PubMed 23141775; PubMed 29196752.